The following is an entry in ClinVar:

ClinVar aggregate classification (germline): Uncertain significance (1 of 4 stars; one submission).

Conditions:
Epidermolysis bullosa simplex 5C, with pyloric atresia (EBS5C). Also called: Epidermolysis bullosa simplex with pyloric atresia; PLEC-Related Epidermolysis Bullosa with Pyloric Atresia; PLEC1-Related Epidermolysis Bullosa with Pyloric Atresia. Identifiers: Orphanet 158684, MedGen C2677349, MONDO:0012807, OMIM 612138.
Epidermolysis bullosa simplex 5B, with muscular dystrophy (EBS5B). Also called: Epidermolysis bullosa simplex with muscular dystrophy; EPIDERMOLYSIS BULLOSA SIMPLEX AND LIMB-GIRDLE MUSCULAR DYSTROPHY. Identifiers: Orphanet 257, MedGen C2931072, MONDO:0009181, OMIM 226670.
Epidermolysis bullosa simplex, Ogna type (EBS5A). Also called: Pidermolysis bullosa simplex 5A, Ogna type; EPIDERMOLYSIS BULLOSA SIMPLEX 5A, OGNA TYPE. Identifiers: Orphanet 79401, MedGen C0432317, MONDO:0007555, OMIM 131950.
Epidermolysis bullosa simplex with nail dystrophy (EBS5D). Identifiers: MedGen C4225309, MONDO:0014661, OMIM 616487.
Autosomal recessive limb-girdle muscular dystrophy type 2Q (LGMDR17). Also called: MUSCULAR DYSTROPHY, LIMB-GIRDLE, AUTOSOMAL RECESSIVE 17. Identifiers: Orphanet 254361, MedGen C3150989, MONDO:0013390, OMIM 613723.

Allele frequency attached by ClinVar (database versions not stated): gnomAD 0.00001; gnomAD exomes 0.00001 and 0.00002; ExAC 0.00003; 1000 Genomes Project 30x 0.00016.
gnomAD v4.1: 16 of 1,607,560 alleles (0.001%); highest among the groups gnomAD compares: Admixed American, 0.005%; no homozygotes.

Submission:

Labcorp Genetics (formerly Invitae), Labcorp
Classification: Uncertain significance for Autosomal recessive limb-girdle muscular dystrophy type 2Q; Epidermolysis bullosa simplex, Ogna type; Epidermolysis bullosa simplex with nail dystrophy; Epidermolysis bullosa simplex 5C, with pyloric atresia; Epidermolysis bullosa simplex 5B, with muscular dystrophy. Last evaluated: 2025-03-23. Review status: criteria provided, single submitter. Criteria: Invitae Variant Classification Sherloc (09022015). Collection method: clinical testing. Allele origin: germline.
Comment: This sequence change replaces valine, which is neutral and non-polar, with isoleucine, which is neutral and non-polar, at codon 3037 of the PLEC protein (p.Val3037Ile). This variant is present in population databases (rs782145186, gnomAD 0.006%). This variant has not been reported in the literature in individuals affected with PLEC-related conditions. ClinVar contains an entry for this variant (Variation ID: 657599). Invitae Evidence Modeling of protein sequence and biophysical properties (such as structural, functional, and spatial information, amino acid conservation, physicochemical variation, residue mobility, and thermodynamic stability) has been performed for this missense variant. However, the output from this modeling did not meet the statistical confidence thresholds required to predict the impact of this variant on PLEC protein function. In summary, the available evidence is currently insufficient to determine the role of this variant in disease. Therefore, it has been classified as a Variant of Uncertain Significance.

NM_201384.3(PLEC):c.9028G>A (p.Val3010Ile)

Gene: PLEC (plectin; minus strand). Cytogenetic location: 8q24.3.
Variant type: single nucleotide variant.
Coding change: c.9028G>A on transcript NM_201384.3 (MANE Select); coding-DNA position 9028, G replaced by A.
Protein change: p.Val3010Ile; replaces valine 3010 with isoleucine.
Molecular consequence: missense variant.
Genome position (GRCh38, 1-based): chr8:143,920,793, C>T on the plus strand (G>A on the coding strand, the complement: PLEC is on the minus strand). VCF-style: chr8-143920793-C-T. GRCh37 (hg19) VCF-style: chr8-144994961-C-T.
Other names: c.9109G>A, p.Val3037Ile (NM_000445.5); c.8986G>A, p.Val2996Ile (NM_201378.4); c.8962G>A, p.Val2988Ile (NM_201379.3); c.9439G>A, p.Val3147Ile (NM_201380.4); c.8932G>A, p.Val2978Ile (NM_201381.3); c.9028G>A, p.Val3010Ile (NM_201382.4); c.9040G>A, p.Val3014Ile (NM_201383.3); short protein forms V2978I, V2996I, V3010I, V3037I, V3147I, V2988I, V3014I.
Identifiers: ClinVar variation 657599 (VCV000657599.8), dbSNP rs782145186, ClinGen allele CA4925103.
Genomic context (GRCh38, chr8:143,920,793, plus strand): 5'-ATACACCCGCGATGACGTTGGCACCCCGGAGAGCCCGCCGCACAGTGTCCACCTCGGCTA[C>T]GTCTCGCACAGAGCGCTCACCTCGCTGCAGCTGCTGGTAGAGCTCGCGGTCGATGACCCT-3'
Protein context (NP_958786.1, residues 3000-3020): LQRGERSVRD[Val3010Ile]AEVDTVRRAL